The following is an entry in ClinVar:

NM_000321.3(RB1):c.1774C>G (p.Leu592Val)

Gene: RB1 (RB transcriptional corepressor 1; plus strand). Cytogenetic location: 13q14.2.
Variant type: single nucleotide variant.
Coding change: c.1774C>G on transcript NM_000321.3 (MANE Select); coding-DNA position 1774, C replaced by G.
Protein change: p.Leu592Val; replaces leucine 592 with valine.
Molecular consequence: missense variant.
Genome position (GRCh38, 1-based): chr13:48,453,071, C>G. VCF-style: chr13-48453071-C-G. GRCh37 (hg19) VCF-style: chr13-49027207-C-G.
Other names: c.1774C>G, p.Leu592Val (NM_001407165.1); short protein forms L592V.
Identifiers: ClinVar variation 3231200 (VCV003231200.2), dbSNP rs1949338600, ClinGen allele CA388165585.

ClinVar aggregate classification (germline): Uncertain significance. Review status: criteria provided, multiple submitters, no conflicts (2 of 4 stars). 2 submissions from 2 submitters: Uncertain significance (2). Last evaluated 2025-08-04.

Conditions:
Retinoblastoma (RB1). Also called: RETINOBLASTOMA, SOMATIC. Identifiers: Orphanet 790, MedGen C0035335, MeSH D012175, MONDO:0008380, OMIM 180200, HP:0009919. Disease mechanism: loss of function. Inheritance: Both sporadic and heritable forms are tested..
Hereditary cancer-predisposing syndrome. Also called: Neoplastic Syndromes, Hereditary; Tumor predisposition; Hereditary neoplastic syndrome; Hereditary Cancer Syndrome. Identifiers: Orphanet 140162, MedGen C0027672, MeSH D009386, MONDO:0015356.

Submissions (2):

Labcorp Genetics (formerly Invitae), Labcorp
Classification: Uncertain significance for Retinoblastoma. Last evaluated: 2025-08-04. Review status: criteria provided, single submitter. Criteria: Invitae Variant Classification Sherloc (09022015). Collection method: clinical testing. Allele origin: germline.
Comment: This sequence change replaces leucine, which is neutral and non-polar, with valine, which is neutral and non-polar, at codon 592 of the RB1 protein (p.Leu592Val). This variant is not present in population databases (gnomAD no frequency). This variant has not been reported in the literature in individuals affected with RB1-related conditions. ClinVar contains an entry for this variant (Variation ID: 3231200). Invitae Evidence Modeling of protein sequence and biophysical properties (such as structural, functional, and spatial information, amino acid conservation, physicochemical variation, residue mobility, and thermodynamic stability) indicates that this missense variant is not expected to disrupt RB1 protein function with a negative predictive value of 80%. In summary, the available evidence is currently insufficient to determine the role of this variant in disease. Therefore, it has been classified as a Variant of Uncertain Significance.

Ambry Genetics
Classification: Uncertain significance for Hereditary cancer-predisposing syndrome. Last evaluated: 2024-01-03. Review status: criteria provided, single submitter. Criteria: Ambry Variant Classification Scheme 2023. Collection method: clinical testing. Allele origin: germline.
Comment: The p.L592V variant (also known as c.1774C>G), located in coding exon 18 of the RB1 gene, results from a C to G substitution at nucleotide position 1774. The leucine at codon 592 is replaced by valine, an amino acid with highly similar properties. This amino acid position is conserved. In addition, the in silico prediction for this alteration is inconclusive. Since supporting evidence is limited at this time, the clinical significance of this alteration remains unclear.